The following is an entry in ClinVar:

ClinVar aggregate classification (germline): Likely benign. Review status: criteria provided, single submitter (1 of 4 stars). 2 submissions from 2 submitters: Likely benign (1). 1 of the submissions does not count toward it. Last evaluated 2025-06-24.

Conditions:
KSR2-related disorder. Also called: KSR2-related condition.

gnomAD v4.1: 14 of 1,613,418 alleles (0.00087%); highest among the groups gnomAD compares: African/African-American, 0.016%; no homozygotes.

Submissions (2):

Labcorp Genetics (formerly Invitae), Labcorp
Classification: Likely benign. Last evaluated: 2025-06-24. Review status: criteria provided, single submitter. Criteria: Invitae Variant Classification Sherloc (09022015). Collection method: clinical testing. Allele origin: germline.

PreventionGenetics, part of Exact Sciences
Classification: Likely benign for KSR2-related condition. Last evaluated: 2023-04-03. Review status: no assertion criteria provided. Collection method: clinical testing. Allele origin: germline. Not counted in ClinVar's aggregate classification.
Comment: This variant is classified as likely benign based on ACMG/AMP sequence variant interpretation guidelines (Richards et al. 2015 PMID: 25741868, with internal and published modifications).

NM_173598.6(KSR2):c.1179G>C (p.Leu393=)

Gene: KSR2 (kinase suppressor of ras 2; minus strand). Cytogenetic location: 12q24.22.
Variant type: single nucleotide variant.
Coding change: c.1179G>C on transcript NM_173598.6 (MANE Select); coding-DNA position 1179, G replaced by C.
Protein change: p.Leu393=; no amino-acid change (leucine 393 retained).
Molecular consequence: synonymous variant.
Genome position (GRCh38, 1-based): chr12:117,582,352, C>G on the plus strand (G>C on the coding strand, the complement: KSR2 is on the minus strand). VCF-style: chr12-117582352-C-G. GRCh37 (hg19) VCF-style: chr12-118020157-C-G.
Identifiers: ClinVar variation 3353086 (VCV003353086.2).